The following is an entry in ClinVar:

NM_000396.4(CTSK):c.826del (p.His276fs)

Gene: CTSK (cathepsin K; minus strand). Cytogenetic location: 1q21.3.
Variant type: Deletion.
Coding change: c.826del on transcript NM_000396.4 (MANE Select); coding-DNA position 826, one base deleted (C; older notation c.826delC).
Protein change: p.His276fs; shifts the reading frame from histidine 276.
Molecular consequence: frameshift variant.
Genome position (GRCh38, 1-based): chr1:150,799,232, G deleted on the plus strand (C on the coding strand, the reverse complement: CTSK is on the minus strand); the first of 2 consecutive G bases (chr1:150,799,232-150,799,233); deleting either gives the same sequence. VCF-style (leftmost placement, unchanged base first): chr1-150799231-TG-T. GRCh37 (hg19) VCF-style: chr1-150771707-TG-T.
Other names: c.826del (NM_000396.3); short protein forms H276fs.
Identifiers: ClinVar variation 556938 (VCV000556938.14), dbSNP rs1553196906, ClinGen allele CA658821135.

ClinVar aggregate classification (germline): Likely pathogenic. Review status: criteria provided, multiple submitters, no conflicts (2 of 4 stars). 3 submissions from 3 submitters: Likely pathogenic (2). 1 of the submissions does not count toward it. Last evaluated 2023-04-11.

Conditions:
Pyknodysostosis. Also called: Pycnodysostosis. Identifiers: Orphanet 763, MedGen C0238402, MONDO:0009940, OMIM 265800.

Submissions (3):

Genome-Nilou Lab
Classification: Likely pathogenic for Pyknodysostosis. Last evaluated: 2023-04-11. Review status: criteria provided, single submitter. Criteria: ACMG Guidelines, 2015. Collection method: clinical testing. Allele origin: germline. Affected: no.

Labcorp Genetics (formerly Invitae), Labcorp
Classification: Likely pathogenic. Last evaluated: 2019-09-30. Review status: criteria provided, single submitter. Criteria: Invitae Variant Classification Sherloc (09022015). Collection method: clinical testing. Allele origin: germline.
Comment: In summary, the currently available evidence indicates that the variant is pathogenic, but additional data are needed to prove that conclusively. Therefore, this variant has been classified as Likely Pathogenic. This variant disrupts the p.Cys318 amino acid residue in CTSK. Other variant(s) that disrupt this residue have been determined to be pathogenic (PMID: 20814951, 24057333, 27558267). This suggests that this residue is clinically significant, and that variants that disrupt this residue are likely to be disease-causing. This variant has not been reported in the literature in individuals with CTSK-related conditions. ClinVar contains an entry for this variant (Variation ID: 556938). This variant is not present in population databases (ExAC no frequency). This sequence change results in a premature translational stop signal in the CTSK gene (p.His276Metfs*18). While this is not anticipated to result in nonsense mediated decay, it is expected to disrupt the last 54 amino acids of the CTSK protein.

Counsyl
Classification: Likely pathogenic for Pyknodysostosis. Last evaluated: 2018-02-28. Review status: no assertion criteria provided. Collection method: clinical testing. Allele origin: unknown. Not counted in ClinVar's aggregate classification.

Literature cited by the submitters: PubMed 20814951 (cited by Labcorp Genetics (formerly Invitae), Labcorp); PubMed 24057333 (cited by Labcorp Genetics (formerly Invitae), Labcorp); PubMed 27558267 (cited by Labcorp Genetics (formerly Invitae), Labcorp); PubMed 11181082 (cited by Counsyl).